The following is an entry in ClinVar:

NM_001035.3(RYR2):c.9516A>C (p.Glu3172Asp)

Gene: RYR2 (ryanodine receptor 2; plus strand). Cytogenetic location: 1q43.
Variant type: single nucleotide variant.
Coding change: c.9516A>C on transcript NM_001035.3 (MANE Select); coding-DNA position 9516, A replaced by C.
Protein change: p.Glu3172Asp; replaces glutamic acid 3172 with aspartic acid.
Molecular consequence: missense variant.
Genome position (GRCh38, 1-based): chr1:237,705,279, A>C. VCF-style: chr1-237705279-A-C. GRCh37 (hg19) VCF-style: chr1-237868579-A-C.
Other names: short protein forms E3172D.
Identifiers: ClinVar variation 4532429 (VCV004532429.1).
Genomic context (GRCh38, chr1:237,705,279, plus strand): 5'-TTCTGCATTAGGAGAATGTCTAGCTGCCTTTGCTGGTGCTTTTCCTGTAGCATTTTTGGA[A>C]ACTCATCTGGACAAACATAATATTTACTCCATCTACAATACCAAGTCTTCACGAGAAAGA-3'
Protein context (NP_001026.2, residues 3162-3182): FAGAFPVAFL[Glu3172Asp]THLDKHNIYS

ClinVar aggregate classification (germline): Uncertain significance (1 of 4 stars; one submission).

gnomAD v4.1: 3 of 1,605,704 alleles (0.00019%); highest among the groups gnomAD compares: African/African-American, 0.004%; no homozygotes.

Submission:

GeneDx
Classification: Uncertain significance. Last evaluated: 2025-05-29. Review status: criteria provided, single submitter. Criteria: GeneDx Variant Classification Process June 2021. Collection method: clinical testing. Allele origin: germline. Affected: yes.
Comment: Not observed at significant frequency in large population cohorts (gnomAD); In silico analysis supports that this missense variant has a deleterious effect on protein structure/function; Has not been previously published as pathogenic or benign to our knowledge; Not located in one of the three hot-spot regions of the RYR2 gene, where the majority of pathogenic missense variants occur (PMID: 19926015); This variant is associated with the following publications: (PMID: 19926015)